The following is an entry in ClinVar:

NM_005198.5(CHKB):c.428G>C (p.Arg143Pro)

Genes: CHKB-CPT1B (CHKB-CPT1B readthrough (NMD candidate); minus strand), CHKB (choline kinase beta; minus strand). Cytogenetic location: 22q13.33.
Variant type: single nucleotide variant.
Coding change: c.428G>C on transcript NM_005198.5 (MANE Select); coding-DNA position 428, G replaced by C.
Protein change: p.Arg143Pro; replaces arginine 143 with proline.
Molecular consequence: missense variant. On other transcripts: non-coding transcript variant (1).
Genome position (GRCh38, 1-based): chr22:50,581,768, C>G on the plus strand (G>C on the coding strand, the complement: CHKB is on the minus strand). VCF-style: chr22-50581768-C-G. GRCh37 (hg19) VCF-style: chr22-51020197-C-G.
Other names: short protein forms R143P.
Identifiers: ClinVar variation 857855 (VCV000857855.6), dbSNP rs201257544, ClinGen allele CA10323785.

ClinVar aggregate classification (germline): Uncertain significance (1 of 4 stars; one submission).

Conditions:
Megaconial type congenital muscular dystrophy (MDCMC). Also called: CHKB-Related Muscular Dystrophy; CHKB-Related Muscle Diseases; MUSCULAR DYSTROPHY, CONGENITAL, WITH MITOCHONDRIAL STRUCTURAL ABNORMALITIES. Identifiers: Orphanet 280671, MedGen C1865233, MONDO:0011246, OMIM 602541.

Allele frequency attached by ClinVar (database versions not stated): gnomAD 0.00001; gnomAD exomes 0.00001; TOPMed 0.00001.
gnomAD v4.1: 5 of 1,613,218 alleles (0.00031%); no homozygotes.

Submission:

Labcorp Genetics (formerly Invitae), Labcorp
Classification: Uncertain significance for Megaconial type congenital muscular dystrophy. Last evaluated: 2021-10-27. Review status: criteria provided, single submitter. Criteria: Invitae Variant Classification Sherloc (09022015). Collection method: clinical testing. Allele origin: germline.
Comment: ClinVar contains an entry for this variant (Variation ID: 857855). This sequence change replaces arginine, a(n) basic and polar amino acid, with proline, a(n) neutral and non-polar amino acid, at codon 143 of the CHKB protein (p.Arg143Pro). This variant is present in population databases (rs201257544, gnomAD 0.02%). This variant has not been reported in the literature in individuals affected with CHKB-related conditions. Algorithms developed to predict the effect of missense changes on protein structure and function are either unavailable or do not agree on the potential impact of this missense change (SIFT: "Deleterious"; PolyPhen-2: "Probably Damaging"; Align-GVGD: "Class C0"). In summary, the available evidence is currently insufficient to determine the role of this variant in disease. Therefore, it has been classified as a Variant of Uncertain Significance.